The following is an entry in ClinVar:

ClinVar aggregate classification (germline): Likely benign. Review status: criteria provided, multiple submitters, no conflicts (2 of 4 stars). 2 submissions from 2 submitters: Likely benign (2). Last evaluated 2025-06-09.

Conditions:
Peroxisome biogenesis disorder, complementation group 7 (CG7). Also called: Peroxisome biogenesis disorder, complementation group B. Identifiers: MedGen C1864399.
PEX10-related disorder. Also called: PEX10-related condition.

Allele frequency attached by ClinVar (database versions not stated): gnomAD exomes below 0.00001; gnomAD 0.00001; ExAC 0.00003.
gnomAD v4.1: 2 of 1,600,146 alleles (0.00012%); highest among the groups gnomAD compares: East Asian, 0.0045%; no homozygotes.

Submissions (2):

PreventionGenetics, part of Exact Sciences
Classification: Likely benign for PEX10-related condition. Last evaluated: 2025-06-09. Review status: criteria provided, single submitter. Criteria: ACMG Guidelines, 2015. Collection method: clinical testing. Allele origin: germline.
Comment: This variant is classified as likely benign based on ACMG/AMP sequence variant interpretation guidelines (Richards et al. 2015 PMID: 25741868, with internal and published modifications).

Labcorp Genetics (formerly Invitae), Labcorp
Classification: Likely benign for Peroxisome biogenesis disorder, complementation group 7. Last evaluated: 2023-01-17. Review status: criteria provided, single submitter. Criteria: Invitae Variant Classification Sherloc (09022015). Collection method: clinical testing. Allele origin: germline.

NM_002617.4(PEX10):c.601-30C>T

Gene: PEX10 (peroxisomal biogenesis factor 10; minus strand). Cytogenetic location: 1p36.32.
Variant type: single nucleotide variant.
Coding change: c.601-30C>T on transcript NM_002617.4 (MANE Select); 30 bases into the intron before coding-DNA position 601, C replaced by T.
Molecular consequence: intron variant. On other transcripts: synonymous variant (3).
Genome position (GRCh38, 1-based): chr1:2,406,925, G>A on the plus strand (C>T on the coding strand, the complement: PEX10 is on the minus strand). VCF-style: chr1-2406925-G-A. GRCh37 (hg19) VCF-style: chr1-2338364-G-A.
Other names: c.628C>T, p.Leu210= (NM_001374425.1); c.196C>T, p.Leu66= (NM_001374426.1); c.631C>T, p.Leu211= (NM_153818.2); c.169-30C>T (NM_001374427.1); c.631C>T (NM_153818.1).
Identifiers: ClinVar variation 1636474 (VCV001636474.9), dbSNP rs776096476, ClinGen allele CA538103.